The following is an entry in ClinVar:

ClinVar aggregate classification (germline): Uncertain significance (1 of 4 stars; one submission).

Conditions:
Hereditary cancer-predisposing syndrome. Also called: Neoplastic Syndromes, Hereditary; Tumor predisposition; Hereditary Cancer Syndrome; Hereditary neoplastic syndrome. Identifiers: Orphanet 140162, MedGen C0027672, MeSH D009386, MONDO:0015356.

Submission:

Ambry Genetics
Classification: Uncertain significance for Hereditary cancer-predisposing syndrome. Last evaluated: 2025-07-17. Review status: criteria provided, single submitter. Criteria: Ambry Variant Classification Scheme 2023. Collection method: clinical testing. Allele origin: germline.
Comment: The c.613_614delGAinsAG variant (also known as p.E205R), located in coding exon 3 of the TMEM127 gene, results from an in-frame deletion of GA and insertion of AG at nucleotide positions 613 to 614. This results in the substitution of the glutamic acid residue for an arginine residue at codon 205, an amino acid with similar properties. This amino acid position is highly conserved in available vertebrate species. In addition, this variant is predicted to be neutral by in silico analysis (Choi Y et al. PLoS ONE. 2012; 7(10):e46688). Based on the available evidence, the clinical significance of this variant remains unclear.

NM_017849.4(TMEM127):c.613_614delinsAG (p.Glu205Arg)

Gene: TMEM127 (transmembrane protein 127; minus strand). Cytogenetic location: 2q11.2.
Variant type: Indel.
Coding change: c.613_614delinsAG on transcript NM_017849.4 (MANE Select); coding-DNA positions 613 to 614, GA replaced by AG.
Protein change: p.Glu205Arg; replaces glutamic acid 205 with arginine.
Molecular consequence: missense variant.
Genome position (GRCh38, 1-based): chr2:96,253,911-96,253,912, TC replaced by CT on the plus strand (GA replaced by AG on the coding strand, the reverse complement: TMEM127 is on the minus strand). VCF-style: chr2-96253911-TC-CT. GRCh37 (hg19) VCF-style: chr2-96919649-TC-CT.
Other names: c.613_614delinsAG, p.Glu205Arg (NM_001193304.3); c.361_362delinsAG, p.Glu121Arg (NM_001407282.1, NM_001407283.1); short protein forms E205R, E121R.
Identifiers: ClinVar variation 4185909 (VCV004185909.1).